The following is an entry in ClinVar:

ClinVar aggregate classification (germline): Uncertain significance. Review status: criteria provided, multiple submitters, no conflicts (2 of 4 stars). 3 submissions from 3 submitters: Uncertain significance (3). Last evaluated 2024-09-11.

Conditions:
Inborn genetic diseases. Identifiers: MedGen C0950123, MeSH D030342.

Allele frequency attached by ClinVar (database versions not stated): gnomAD exomes 0.00001 and 0.00005; gnomAD 0.00006 and 0.00008; TOPMed 0.00007.

Submissions (3):

Labcorp Genetics (formerly Invitae), Labcorp
Classification: Uncertain significance. Last evaluated: 2024-09-11. Review status: criteria provided, single submitter. Criteria: Invitae Variant Classification Sherloc (09022015). Collection method: clinical testing. Allele origin: germline.
Comment: This sequence change replaces arginine, which is basic and polar, with glutamine, which is neutral and polar, at codon 625 of the CACNA1F protein (p.Arg625Gln). The frequency data for this variant in the population databases is considered unreliable, as metrics indicate poor data quality at this position in the gnomAD database. This variant has not been reported in the literature in individuals affected with CACNA1F-related conditions. ClinVar contains an entry for this variant (Variation ID: 1521833). Invitae Evidence Modeling of protein sequence and biophysical properties (such as structural, functional, and spatial information, amino acid conservation, physicochemical variation, residue mobility, and thermodynamic stability) indicates that this missense variant is expected to disrupt CACNA1F protein function with a positive predictive value of 80%. In summary, the available evidence is currently insufficient to determine the role of this variant in disease. Therefore, it has been classified as a Variant of Uncertain Significance.

Blueprint Genetics
Classification: Uncertain significance. Last evaluated: 2021-12-13. Review status: criteria provided, single submitter. Criteria: ACMG Guidelines, 2015. Collection method: clinical testing. Allele origin: germline.

Ambry Genetics
Classification: Uncertain significance for Inborn genetic diseases. Last evaluated: 2021-10-06. Review status: criteria provided, single submitter. Criteria: Ambry Variant Classification Scheme 2023. Collection method: clinical testing. Allele origin: germline.

NM_001256789.3(CACNA1F):c.1841G>A (p.Arg614Gln)

Gene: CACNA1F (calcium voltage-gated channel subunit alpha1 F; minus strand). Cytogenetic location: Xp11.23.
Variant type: single nucleotide variant.
Coding change: c.1841G>A on transcript NM_001256789.3 (MANE Select); coding-DNA position 1841, G replaced by A.
Protein change: p.Arg614Gln; replaces arginine 614 with glutamine.
Molecular consequence: missense variant.
Genome position (GRCh38, 1-based): chrX:49,224,797, C>T on the plus strand (G>A on the coding strand, the complement: CACNA1F is on the minus strand). VCF-style: chrX-49224797-C-T. GRCh37 (hg19) VCF-style: chrX-49081259-C-T.
Other names: c.1679G>A, p.Arg560Gln (NM_001256790.3); c.1874G>A, p.Arg625Gln (NM_005183.4); c.1874G>A (NM_005183.2); short protein forms R614Q, R625Q, R560Q.
Identifiers: ClinVar variation 1521833 (VCV001521833.7), dbSNP rs782123232, ClinGen allele CA10410785.